The following is an entry in ClinVar:

ClinVar aggregate classification (germline): Uncertain significance. Review status: criteria provided, multiple submitters, no conflicts (2 of 4 stars). 3 submissions from 3 submitters: Uncertain significance (3). Last evaluated 2025-07-28.

Conditions:
Generalized dominant dystrophic epidermolysis bullosa (DDEB). Also called: DDEB, generalized; DDEB-gen; DYSTROPHIC EPIDERMOLYSIS BULLOSA, AUTOSOMAL DOMINANT; Epidermolysis bullosa dystrophica, autosomal dominant; Dominant DEB (DDEB). Identifiers: Orphanet 231568, MedGen C0432322, MONDO:0007549, OMIM 131750.

Allele frequency attached by ClinVar (database versions not stated): gnomAD exomes below 0.00001.
gnomAD v4.1: 2 of 1,550,632 alleles (0.00013%); highest among the groups gnomAD compares: South Asian, 0.0012%; no homozygotes.

Submissions (3):

Labcorp Genetics (formerly Invitae), Labcorp
Classification: Uncertain significance. Last evaluated: 2025-07-28. Review status: criteria provided, single submitter. Criteria: Invitae Variant Classification Sherloc (09022015). Collection method: clinical testing. Allele origin: germline.
Comment: This sequence change replaces glutamic acid, which is acidic and polar, with glycine, which is neutral and non-polar, at codon 27 of the COL7A1 protein (p.Glu27Gly). This variant is not present in population databases (gnomAD no frequency). This variant has not been reported in the literature in individuals affected with COL7A1-related conditions. ClinVar contains an entry for this variant (Variation ID: 1506183). Invitae Evidence Modeling of protein sequence and biophysical properties (such as structural, functional, and spatial information, amino acid conservation, physicochemical variation, residue mobility, and thermodynamic stability) indicates that this missense variant is not expected to disrupt COL7A1 protein function with a negative predictive value of 95%. Algorithms developed to predict the effect of sequence changes on RNA splicing suggest that this variant may disrupt the consensus splice site. In summary, the available evidence is currently insufficient to determine the role of this variant in disease. Therefore, it has been classified as a Variant of Uncertain Significance.

Women's Health and Genetics/Laboratory Corporation of America, LabCorp
Classification: Uncertain significance. Last evaluated: 2025-07-28. Review status: criteria provided, single submitter. Criteria: LabCorp Variant Classification Summary - May 2015. Collection method: clinical testing. Allele origin: germline.

Victorian Clinical Genetics Services, Murdoch Childrens Research Institute
Classification: Uncertain significance for Generalized dominant dystrophic epidermolysis bullosa. Last evaluated: 2023-07-17. Review status: criteria provided, single submitter. Criteria: ACMG Guidelines, 2015. Collection method: clinical testing. Allele origin: germline. Inheritance: Autosomal dominant inheritance. Affected: yes.
Comment: Based on the classification scheme VCGS_Germline_v1.3.4, this variant is classified as VUS-3A. Following criteria are met: 0103 - Dominant negative and loss of function are known mechanisms of disease in this gene and are associated with dystrophic epidermolysis bullosa (DEB) (OMIM, PMID: 31670143). (I) 0108 - This gene is associated with both recessive and dominant disease. The spectrum of DEB associated with this gene can be either dominant or recessive. Dominant inheritance (DDEB; MIM#131750) is typically associated with milder phenotypes, whereas recessive inheritance (RDEB; MIM#226600) is usually observed in more severe cases (OMIM). (I) 0115 - Variants in this gene are known to have variable expressivity. Severity ranges from involving only nails to generalized and severe blistering and scarring (PMID: 31670143). (I) 0200 - Variant is predicted to result in a missense amino acid change from glutamic acid to glycine. (I) 0251 - This variant is heterozygous. (I) 0301 - Variant is absent from gnomAD (both v2 and v3). (SP) 0502 - Missense variant with conflicting in silico predictions and uninformative conservation. (I) 0604 - Variant is not located in an established domain, motif, hotspot or informative constraint region. (I) 0705 - No comparable missense variants have previous evidence for pathogenicity. (I) 0809 - Previous evidence of pathogenicity for this variant is inconclusive. This variant has been classified as a VUS by a clinical laboratory in ClinVar. (I) 0905 - No published segregation evidence has been identified for this variant. (I) 1007 - No published functional evidence has been identified for this variant. (I) 1101 - Very strong and specific phenotype match for this individual. (I) Legend: (SP) - Supporting pathogenic, (I) - Information, (SB) - Supporting benign

Literature cited by the submitters: PubMed 31670143 (cited by Victorian Clinical Genetics Services, Murdoch Childrens Research Institute).

NM_000094.4(COL7A1):c.80A>G (p.Glu27Gly)

Gene: COL7A1 (collagen type VII alpha 1 chain; minus strand). Cytogenetic location: 3p21.31.
Variant type: single nucleotide variant.
Coding change: c.80A>G on transcript NM_000094.4 (MANE Select); coding-DNA position 80, A replaced by G.
Protein change: p.Glu27Gly; replaces glutamic acid 27 with glycine.
Molecular consequence: missense variant.
Genome position (GRCh38, 1-based): chr3:48,595,080, T>C on the plus strand (A>G on the coding strand, the complement: COL7A1 is on the minus strand). VCF-style: chr3-48595080-T-C. GRCh37 (hg19) VCF-style: chr3-48632513-T-C.
Other names: c.80A>G (NM_000094.3); short protein forms E27G.
Identifiers: ClinVar variation 1506183 (VCV001506183.9), dbSNP rs2107811799, ClinGen allele CA352750189.